The following is an entry in ClinVar:

ClinVar aggregate classification (germline): Likely benign (1 of 4 stars; one submission).

Submission:

GeneDx
Classification: Likely benign. Last evaluated: 2018-03-30. Review status: criteria provided, single submitter. Criteria: GeneDx Variant Classification (06012015). Collection method: clinical testing. Allele origin: germline. Affected: yes.
Comment: This variant is considered likely benign or benign based on one or more of the following criteria: it is a conservative change, it occurs at a poorly conserved position in the protein, it is predicted to be benign by multiple in silico algorithms, and/or has population frequency not consistent with disease.

NM_020745.4(AARS2):c.2598+10G>T

Genes: AARS2 (alanyl-tRNA synthetase 2, mitochondrial; minus strand), POLR1C (RNA polymerase I and III subunit C; plus strand). Cytogenetic location: 6p21.1.
Variant type: single nucleotide variant.
Coding change: c.2598+10G>T on transcript NM_020745.4 (MANE Select); 10 bases into the intron after coding-DNA position 2598, G replaced by T.
Molecular consequence: intron variant.
Genome position (GRCh38, 1-based): chr6:44,302,050, C>A on the plus strand (G>T on the coding strand, the complement: AARS2 is on the minus strand). VCF-style: chr6-44302050-C-A. GRCh37 (hg19) VCF-style: chr6-44269787-C-A.
Identifiers: ClinVar variation 680920 (VCV000680920.1), dbSNP rs748931933, ClinGen allele CA915944259.